The following is an entry in ClinVar:

NC_000020.11:g.44355631T>C

Gene: HNF4A (hepatocyte nuclear factor 4 alpha; plus strand). Cytogenetic location: 20q13.12.
Variant type: single nucleotide variant.
Genome position: GRCh38 VCF-style: chr20-44355631-T-C. GRCh37 (hg19) VCF-style: chr20-42984271-T-C.
Identifiers: ClinVar variation 4526411 (VCV004526411.1).

ClinVar aggregate classification (germline): Uncertain significance (3 of 4 stars; one submission).

Conditions:
Monogenic diabetes. Identifiers: Orphanet 183625, MedGen C3888631, MONDO:0015967.

Submission:

ClinGen Monogenic Diabetes Variant Curation Expert Panel
Classification: Uncertain significance for Monogenic diabetes. Last evaluated: 2025-10-13. Review status: reviewed by expert panel. Criteria: ClinGen Diabetes ACMG Specifications HNF4A V4.0.0. Collection method: curation. Allele origin: germline. Inheritance: Semidominant inheritance.
Comment: The c.-174T>C p.(?) variant in the hepatocyte nuclear factor 4-alpha gene, HNF4A, is located within the promoter region of HNF1A/HNF1B binding sites, which is defined as critical for the protein’s function by the ClinGen MDEP (PM1_Supporting). This variant is absent from gnomAD v2.1.1 and v4.1.0 (PM2_Supporting). This variant was identified in two unrelated individuals with non-autoimmune and non-absolute/near-absolute insulin-deficient diabetes; however, PS4_Moderate cannot be applied because this number is below the ClinGen MDEP threshold (PMID: 23348805, internal lab contributors). One of these individuals did have a clinical history highly specific for HNF4A-MODY (MODY probability calculator result >50%, negative genetic testing for HNF1A, and SU sensitive) (PP4_Moderate; internal lab contributors). Additionally, this variant segregated with diabetes with 3 informative meioses in a single family (PP1; internal lab contributors). In summary, c.-174T>C meets the criteria to be classified as a variant of uncertain significance for monogenic diabetes. ACMG/AMP criteria applied, as specified by the ClinGen MDEP VCEP (specification version 4.0.0, approved 10/10/2025): PM1_Supporting, PM2_Supporting, PP1, PP4_Moderate.